The following is an entry in ClinVar:

NM_014845.6(FIG4):c.1889G>A (p.Ser630Asn)

Gene: FIG4 (FIG4 phosphoinositide 5-phosphatase; plus strand). Cytogenetic location: 6q21.
Variant type: single nucleotide variant.
Coding change: c.1889G>A on transcript NM_014845.6 (MANE Select); coding-DNA position 1889, G replaced by A.
Protein change: p.Ser630Asn; replaces serine 630 with asparagine.
Molecular consequence: missense variant.
Genome position (GRCh38, 1-based): chr6:109,777,060, G>A. VCF-style: chr6-109777060-G-A. GRCh37 (hg19) VCF-style: chr6-110098263-G-A.
Other names: short protein forms S630N.
Identifiers: ClinVar variation 1199209 (VCV001199209.4), dbSNP rs759357345, ClinGen allele CA3956200.

ClinVar aggregate classification (germline): Uncertain significance (1 of 4 stars; one submission).

Conditions:
FIG4-related disorder. Also called: FIG4-related disorders; FIG4-related condition.

Allele frequency attached by ClinVar (database versions not stated): gnomAD exomes 0.00001 and 0.00002; ExAC 0.00002.

Submission:

Illumina Laboratory Services, Illumina
Classification: Uncertain significance. Last evaluated: 2020-12-11. Review status: criteria provided, single submitter. Criteria: ICSLVariantClassificationCriteria RUGD 01 April 2020. Collection method: clinical testing. Allele origin: unknown.
Comment: The FIG4 c.1889G>A (p.Ser630Asn) variant is a missense variant. A literature search was performed for the gene, cDNA change, and amino acid change. No publications were found based on this search. This variant is reported at frequency of 0.000131 in the South Asian population of the Genome Aggregation Database, which is consistent with disease prevalence estimates. The p.Ser630Asn variant alters the last base pair in exon 16 and in silico tools predict the variant to affect splicing. Based on the limited evidence, the p.Ser630Asn variant is classified as a variant of uncertain significance for FIG4-related disorders.